The following is an entry in ClinVar:

NM_005902.4(SMAD3):c.206+4G>T

Gene: SMAD3 (SMAD family member 3; plus strand). Cytogenetic location: 15q22.33.
Variant type: single nucleotide variant.
Coding change: c.206+4G>T on transcript NM_005902.4 (MANE Select); 4 bases into the intron after coding-DNA position 206, G replaced by T.
Molecular consequence: intron variant.
Genome position (GRCh38, 1-based): chr15:67,066,364, G>T. VCF-style: chr15-67066364-G-T. GRCh37 (hg19) VCF-style: chr15-67358702-G-T.
Other names: c.206+4G>T (NM_001407011.1, NM_001407013.1, NM_001407012.1).
Identifiers: ClinVar variation 3071150 (VCV003071150.2), dbSNP rs1959916973, ClinGen allele CA970972485.

ClinVar aggregate classification (germline): Uncertain significance. Review status: criteria provided, multiple submitters, no conflicts (2 of 4 stars). 2 submissions from 2 submitters: Uncertain significance (2). Last evaluated 2025-11-08.

Conditions:
Aneurysm-osteoarthritis syndrome. Also called: SMAD3-Related Loeys-Dietz Syndrome; ANEURYSMS-OSTEOARTHRITIS SYNDROME; Loeys-Dietz syndrome, type 1C; LOEYS-DIETZ SYNDROME WITH OSTEOARTHRITIS. Identifiers: Orphanet 284984, MedGen C3151087, MONDO:0013426, OMIM 613795.
Familial thoracic aortic aneurysm and aortic dissection (TAAD). Also called: Thoracic aortic aneurysms and dissections. Identifiers: Orphanet 91387, MedGen C4707243, MONDO:0019625.

Allele frequency attached by ClinVar (database versions not stated): gnomAD exomes below 0.00001; gnomAD 0.00001; TOPMed 0.00001.
gnomAD v4.1: 3 of 1,611,256 alleles (0.00019%); highest among the groups gnomAD compares: Admixed American, 0.0033%; no homozygotes.

Submissions (2):

Labcorp Genetics (formerly Invitae), Labcorp
Classification: Uncertain significance for Familial thoracic aortic aneurysm and aortic dissection. Last evaluated: 2025-11-08. Review status: criteria provided, single submitter. Criteria: Invitae Variant Classification Sherloc (09022015). Collection method: clinical testing. Allele origin: germline.
Comment: This sequence change falls in intron 1 of the SMAD3 gene. It does not directly change the encoded amino acid sequence of the SMAD3 protein. It affects a nucleotide within the consensus splice site. This variant is not present in population databases (gnomAD no frequency). This variant has not been reported in the literature in individuals affected with SMAD3-related conditions. ClinVar contains an entry for this variant (Variation ID: 3071150). Variants that disrupt the consensus splice site are a relatively common cause of aberrant splicing (PMID: 17576681, 9536098). Algorithms developed to predict the effect of sequence changes on RNA splicing suggest that this variant is not likely to affect RNA splicing. In summary, the available evidence is currently insufficient to determine the role of this variant in disease. Therefore, it has been classified as a Variant of Uncertain Significance.

All of Us Research Program, National Institutes of Health
Classification: Uncertain significance for Aneurysm-osteoarthritis syndrome. Last evaluated: 2023-05-16. Review status: criteria provided, single submitter. Criteria: ACMG Guidelines, 2015. Collection method: clinical testing. Allele origin: germline. Inheritance: Autosomal dominant inheritance. Observed: 1 variant allele, 1 heterozygote.
Comment: This variant causes a G to T nucleotide substitution at the +4 position of intron 1 of the SMAD3 gene. To our knowledge, functional studies have not been reported for this variant. This variant has not been reported in individuals affected with SMAD3-related disorders in the literature. This variant has not been identified in the general population by the Genome Aggregation Database (gnomAD). The available evidence is insufficient to determine the role of this variant in disease conclusively. Therefore, this variant is classified as a Variant of Uncertain Significance.

This study involves interpretation of variants in research participants for the purpose of population health screening. Participant phenotype was not available at the time of variant classification. Additional details can be found in publication PMID: 35346344, PMCID: PMC8962531

Literature cited by the submitters: PubMed 17576681 (cited by Labcorp Genetics (formerly Invitae), Labcorp); PubMed 9536098 (cited by Labcorp Genetics (formerly Invitae), Labcorp).